The following is an entry in ClinVar:

NC_000003.11:g.(?_132407898)_(132411682_?)del

Gene: NPHP3 (nephrocystin 3; minus strand). Cytogenetic location: 3q22.1.
Variant type: Deletion.
Identifiers: ClinVar variation 1434600 (VCV001434600.6).

ClinVar aggregate classification (germline): Uncertain significance (1 of 4 stars; one submission).

Conditions:
Nephronophthisis. Also called: Juvenile Nephronophthisis. Identifiers: Orphanet 655, MedGen C0687120, MONDO:0019005, HP:0000090.

Submission:

Labcorp Genetics (formerly Invitae), Labcorp
Classification: Uncertain significance for Nephronophthisis. Last evaluated: 2021-02-11. Review status: criteria provided, single submitter. Criteria: Invitae Variant Classification Sherloc (09022015). Collection method: clinical testing. Allele origin: germline.
Comment: This variant is a gross deletion of the genomic region encompassing exon(s) 17-20 of the NPHP3 gene. This variant would be expected to be in-frame, preserving the integrity of the reading frame. In summary, the available evidence is currently insufficient to determine the role of this variant in disease. Therefore, it has been classified as a Variant of Uncertain Significance. This variant disrupts a region of the protein in which other variant(s) (p.Leu790Pro) have been observed in individuals with NPHP3-related conditions (PMID: 23559409, 31131822). This suggests that this may be a clinically significant region of the NPHP3 protein. Experimental studies and prediction algorithms are not available or were not evaluated, and the functional significance of this variant is currently unknown. This variant has not been reported in the literature in individuals with NPHP3-related conditions.

Literature cited by the submitters: PubMed 23559409; PubMed 31131822.